The following is an entry in ClinVar:

ClinVar aggregate classification (germline): Uncertain significance (1 of 4 stars; one submission).

Submission:

GeneDx
Classification: Uncertain significance. Last evaluated: 2016-12-06. Review status: criteria provided, single submitter. Criteria: GeneDx Variant Classification (06012015). Collection method: clinical testing. Allele origin: germline. Affected: yes.
Comment: This variant is denoted BRCA2 c.7568T>C at the cDNA level, p.Leu2523Pro (L2523P) at the protein level, and results in the change of a Leucine to a Proline (CTG>CCG). Using alternate nomenclature, this variant would be defined as BRCA2 7796T>C. This variant has not, to our knowledge, been published in the literature as pathogenic or benign. BRCA2 Leu2523Pro was not observed in approximately 6,500 individuals of European and African American ancestry in the NHLBI Exome Sequencing Project, suggesting it is not a common benign variant in these populations. Since Leucine and Proline differ in some properties, this is considered a semi-conservative amino acid substitution. BRCA2 Leu2523Pro occurs at a position that is conserved across species and is located within the FANCD2, SHFM1, DSS1, and DNA binding domains (Marston 1999, Yang 2002, UniProt). In silico analyses are inconsistent regarding the effect this variant may have on protein structure and function. Based on currently available evidence, it is unclear whether BRCA2 Leu2523Pro is a pathogenic or benign variant. We consider it to be a variant of uncertain significance.

NM_000059.4(BRCA2):c.7568T>C (p.Leu2523Pro)

Gene: BRCA2 (BRCA2 DNA repair associated; plus strand). Cytogenetic location: 13q13.1.
Variant type: single nucleotide variant.
Coding change: c.7568T>C on transcript NM_000059.4 (MANE Select); coding-DNA position 7568, T replaced by C.
Protein change: p.Leu2523Pro; replaces leucine 2523 with proline.
Molecular consequence: missense variant.
Genome position (GRCh38, 1-based): chr13:32,356,560, T>C. VCF-style: chr13-32356560-T-C. GRCh37 (hg19) VCF-style: chr13-32930697-T-C.
Other names: short protein forms L2523P.
Identifiers: ClinVar variation 422865 (VCV000422865.2), dbSNP rs1064796053, ClinGen allele CA16619765.